The following is an entry in ClinVar:

ClinVar aggregate classification (germline): Likely benign. Review status: criteria provided, multiple submitters, no conflicts (2 of 4 stars). 2 submissions from 2 submitters: Likely benign (2). Last evaluated 2026-02-01.

Allele frequency attached by ClinVar (database versions not stated): ExAC 0.00002; gnomAD exomes 0.00002 and 0.00005; TOPMed 0.00003.
gnomAD v4.1: 13 of 1,614,216 alleles (0.00081%); highest among the groups gnomAD compares: Admixed American, 0.022%; no homozygotes.

Submissions (2):

CeGaT Center for Human Genetics Tuebingen
Classification: Likely benign. Last evaluated: 2026-02-01. Review status: criteria provided, single submitter. Criteria: CeGaT Center For Human Genetics Tuebingen Variant Classification Criteria Version 2. Collection method: clinical testing. Allele origin: germline. Affected: yes. Observed: 1 variant allele.
Comment: KMT2A: BP4

Labcorp Genetics (formerly Invitae), Labcorp
Classification: Likely benign. Last evaluated: 2026-01-06. Review status: criteria provided, single submitter. Criteria: Invitae Variant Classification Sherloc (09022015). Collection method: clinical testing. Allele origin: germline.

NM_001197104.2(KMT2A):c.8264A>G (p.Asn2755Ser)

Gene: KMT2A (lysine methyltransferase 2A; plus strand). Cytogenetic location: 11q23.3.
Variant type: single nucleotide variant.
Coding change: c.8264A>G on transcript NM_001197104.2 (MANE Select); coding-DNA position 8264, A replaced by G.
Protein change: p.Asn2755Ser; replaces asparagine 2755 with serine.
Molecular consequence: missense variant.
Genome position (GRCh38, 1-based): chr11:118,504,156, A>G. VCF-style: chr11-118504156-A-G. GRCh37 (hg19) VCF-style: chr11-118374871-A-G.
Other names: c.8255A>G, p.Asn2752Ser (NM_005933.4); short protein forms N2752S, N2755S.
Identifiers: ClinVar variation 1404357 (VCV001404357.12), dbSNP rs782159541, ClinGen allele CA6304477.